The following is an entry in ClinVar:

ClinVar aggregate classification (germline): Uncertain significance. Review status: criteria provided, multiple submitters, no conflicts (2 of 4 stars). 2 submissions from 2 submitters: Uncertain significance (2). Last evaluated 2025-12-30.

Conditions:
Developmental and epileptic encephalopathy 93. Also called: EPILEPTIC ENCEPHALOPATHY, INFANTILE OR EARLY CHILDHOOD, 3. Identifiers: MedGen C4693934, MONDO:0020632, OMIM 618012.

Submissions (2):

Department of Molecular Genetics, Istishari Arab Hospital
Classification: Uncertain significance for Developmental and epileptic encephalopathy 93. Last evaluated: 2025-12-30. Review status: criteria provided, single submitter. Criteria: ACMG Guidelines, 2015. Collection method: clinical testing. Allele origin: germline. Inheritance: Autosomal dominant inheritance. Affected: yes.
Comment: The ATP6V1A variant c.956C>T, p.Pro319Leu creates a change in the amino acid from Pro to Leu at position 319. This variant is not observed in the gnomAD v4.1.0 dataset and has not been previously described in the literature. It is classified as a variant of uncertain significance based on the recommendations of ACMG/AMP/ClinGen SVI guidelines.

3billion
Classification: Uncertain significance for Developmental and epileptic encephalopathy 93. Last evaluated: 2025-12-17. Review status: criteria provided, single submitter. Criteria: ACMG Guidelines, 2015. Collection method: clinical testing. Allele origin: germline. Affected: yes.
Comment: The variant is not observed in the gnomAD v4.1.0 dataset. Predicted Consequence/Location: Missense variant In silico tool predictions suggest damaging effect of the variant on gene or gene product [REVEL: 0.93 (>=0.6, sensitivity 0.68 and specificity 0.92); 3Cnet: 0.99 (> 0.75, sensitivity 0.96 and precision 0.92)]. A different missense change at the same codon (p.Pro319Ser) has been reported as pathogenic/likely pathogenic with strong evidence (ClinVar ID: VCV001512702). Therefore, this variant is classified as VUS according to the recommendation of ACMG/AMP guideline.

NM_001690.4(ATP6V1A):c.956C>T (p.Pro319Leu)

Gene: ATP6V1A (ATPase H+ transporting V1 subunit A; plus strand). Cytogenetic location: 3q13.31.
Variant type: single nucleotide variant.
Coding change: c.956C>T on transcript NM_001690.4 (MANE Select); coding-DNA position 956, C replaced by T.
Protein change: p.Pro319Leu; replaces proline 319 with leucine.
Molecular consequence: missense variant.
Genome position (GRCh38, 1-based): chr3:113,789,808, C>T. VCF-style: chr3-113789808-C-T. GRCh37 (hg19) VCF-style: chr3-113508655-C-T.
Other names: p.Pro319Leu; short protein forms P319L.
Identifiers: ClinVar variation 4683120 (VCV004683120.2).
Genomic context (GRCh38, chr3:113,789,808, plus strand): 5'-ATGGTAAGGTAGAGTCAATTATGAAGAGGACAGCTTTGGTAGCCAATACCTCCAATATGC[C>T]TGTTGCTGCTAGAGAAGCCTCTATTTATACTGGTGAGTATATAATTGGAATAAAAGCAGT-3'
Protein context (NP_001681.2, residues 309-329): TALVANTSNM[Pro319Leu]VAAREASIYT